The following is an entry in ClinVar:

NM_000059.4(BRCA2):c.1503C>G (p.Ile501Met)

Gene: BRCA2 (BRCA2 DNA repair associated; plus strand). Cytogenetic location: 13q13.1.
Variant type: single nucleotide variant.
Coding change: c.1503C>G on transcript NM_000059.4 (MANE Select); coding-DNA position 1503, C replaced by G.
Protein change: p.Ile501Met; replaces isoleucine 501 with methionine.
Molecular consequence: missense variant.
Genome position (GRCh38, 1-based): chr13:32,332,981, C>G. VCF-style: chr13-32332981-C-G. GRCh37 (hg19) VCF-style: chr13-32907118-C-G.
Other names: short protein forms I501M.
Identifiers: ClinVar variation 819400 (VCV000819400.6), dbSNP rs1566223725, ClinGen allele CA387764495.

ClinVar aggregate classification (germline): Conflicting classifications of pathogenicity. Review status: criteria provided, conflicting classifications (1 of 4 stars). 2 submissions from 2 submitters: Uncertain significance (1); Likely benign (1). Last evaluated 2023-03-23.

Conditions:
Hereditary cancer-predisposing syndrome. Also called: Tumor predisposition; Hereditary neoplastic syndrome; Neoplastic Syndromes, Hereditary; Hereditary Cancer Syndrome. Identifiers: Orphanet 140162, MedGen C0027672, MeSH D009386, MONDO:0015356.

gnomAD v4.1: 2 of 1,594,286 alleles (0.00013%); highest among the groups gnomAD compares: South Asian, 0.0012%; no homozygotes.

Submissions (2):

University of Washington Department of Laboratory Medicine, University of Washington
Classification: Likely benign for Hereditary cancer-predisposing syndrome. Last evaluated: 2023-03-23. Review status: criteria provided, single submitter. Criteria: Dines et al. (Genet Med. 2020). Collection method: curation. Allele origin: germline.
Comment: Missense variant in a coldspot region where missense variants are very unlikely to be pathogenic (PMID:31911673).

BRCA2 exon 10 coldspot. Reclassification based on statistical prior probability.

Ambry Genetics
Classification: Uncertain significance for Hereditary cancer-predisposing syndrome. Last evaluated: 2018-11-10. Review status: criteria provided, single submitter. Criteria: Ambry Variant Classification Scheme 2023. Collection method: clinical testing. Allele origin: germline.
Comment: The p.I501M variant (also known as c.1503C>G), located in coding exon 9 of the BRCA2 gene, results from a C to G substitution at nucleotide position 1503. The isoleucine at codon 501 is replaced by methionine, an amino acid with highly similar properties. This amino acid position is not well conserved in available vertebrate species. In addition, this alteration is predicted to be tolerated by in silico analysis. Since supporting evidence is limited at this time, the clinical significance of this alteration remains unclear.